The following is an entry in ClinVar:

NM_000492.4(CFTR):c.377G>T (p.Gly126Val)

Gene: CFTR (CF transmembrane conductance regulator; plus strand). Cytogenetic location: 7q31.2.
Variant type: single nucleotide variant.
Coding change: c.377G>T on transcript NM_000492.4 (MANE Select); coding-DNA position 377, G replaced by T.
Protein change: p.Gly126Val; replaces glycine 126 with valine.
Molecular consequence: missense variant.
Genome position (GRCh38, 1-based): chr7:117,531,002, G>T. VCF-style: chr7-117531002-G-T. GRCh37 (hg19) VCF-style: chr7-117171056-G-T.
Other names: short protein forms G126V.
Identifiers: ClinVar variation 597314 (VCV000597314.6), dbSNP rs397508609, ClinGen allele CA368974528.

ClinVar aggregate classification (germline): Uncertain significance. Review status: criteria provided, multiple submitters, no conflicts (2 of 4 stars). 2 submissions from 2 submitters: Uncertain significance (2). Last evaluated 2021-08-28.

Conditions:
Cystic fibrosis (CF). Also called: MUCOVISCIDOSIS. Identifiers: Orphanet 586, MedGen C0010674, MONDO:0009061, OMIM 219700. Disease mechanism: loss of function.

Allele frequency attached by ClinVar (database versions not stated): gnomAD 0.00003; TOPMed 0.00001.
gnomAD v4.1: 4 of 1,613,626 alleles (0.00025%); highest among the groups gnomAD compares: African/African-American, 0.0053%; no homozygotes.

Submissions (2):

Labcorp Genetics (formerly Invitae), Labcorp
Classification: Uncertain significance for Cystic fibrosis. Last evaluated: 2021-08-28. Review status: criteria provided, single submitter. Criteria: Invitae Variant Classification Sherloc (09022015). Collection method: clinical testing. Allele origin: germline.
Comment: This sequence change replaces glycine with valine at codon 126 of the CFTR protein (p.Gly126Val). The glycine residue is moderately conserved and there is a moderate physicochemical difference between glycine and valine. This variant is not present in population databases (ExAC no frequency). This variant has not been reported in the literature in individuals affected with CFTR-related conditions. ClinVar contains an entry for this variant (Variation ID: 597314). Algorithms developed to predict the effect of missense changes on protein structure and function are either unavailable or do not agree on the potential impact of this missense change (SIFT: "Tolerated"; PolyPhen-2: "Possibly Damaging"; Align-GVGD: "Class C0"). This variant disrupts the p.Gly126 amino acid residue in CFTR. Other variant(s) that disrupt this residue have been determined to be pathogenic (PMID: 23974870). This suggests that this residue is clinically significant, and that variants that disrupt this residue are likely to be disease-causing. In summary, the available evidence is currently insufficient to determine the role of this variant in disease. Therefore, it has been classified as a Variant of Uncertain Significance.

Eurofins Ntd Llc (ga)
Classification: Uncertain significance. Last evaluated: 2018-05-25. Review status: criteria provided, single submitter. Criteria: EGL ClinVar v180209 classification definitions. Collection method: clinical testing. Allele origin: germline. Observed: 1 variant allele, 1 heterozygote.

Literature cited by the submitters: PubMed 23974870 (cited by Labcorp Genetics (formerly Invitae), Labcorp).